The following is an entry in ClinVar:

ClinVar aggregate classification (germline): Uncertain significance (1 of 4 stars; one submission).

gnomAD v4.1: 1 of 1,232,036 alleles (0.000081%); highest among the groups gnomAD compares: African/African-American, 0.0016%; no homozygotes.

Submission:

Labcorp Genetics (formerly Invitae), Labcorp
Classification: Uncertain significance. Last evaluated: 2024-05-23. Review status: criteria provided, single submitter. Criteria: Invitae Variant Classification Sherloc (09022015). Collection method: clinical testing. Allele origin: germline.
Comment: This sequence change replaces glycine, which is neutral and non-polar, with arginine, which is basic and polar, at codon 64 of the ARID1A protein (p.Gly64Arg). This variant is not present in population databases (gnomAD no frequency). This variant has not been reported in the literature in individuals affected with ARID1A-related conditions. Advanced modeling of protein sequence and biophysical properties (such as structural, functional, and spatial information, amino acid conservation, physicochemical variation, residue mobility, and thermodynamic stability) performed at Invitae indicates that this missense variant is not expected to disrupt ARID1A protein function with a negative predictive value of 95%. In summary, the available evidence is currently insufficient to determine the role of this variant in disease. Therefore, it has been classified as a Variant of Uncertain Significance.

NM_006015.6(ARID1A):c.190G>A (p.Gly64Arg)

Gene: ARID1A (AT-rich interaction domain 1A; plus strand). Cytogenetic location: 1p36.11.
Variant type: single nucleotide variant.
Coding change: c.190G>A on transcript NM_006015.6 (MANE Select); coding-DNA position 190, G replaced by A.
Protein change: p.Gly64Arg; replaces glycine 64 with arginine.
Molecular consequence: missense variant.
Genome position (GRCh38, 1-based): chr1:26,696,593, G>A. VCF-style: chr1-26696593-G-A. GRCh37 (hg19) VCF-style: chr1-27023084-G-A.
Other names: c.190G>A, p.Gly64Arg (NM_139135.4); short protein forms G64R.
Identifiers: ClinVar variation 3005509 (VCV003005509.3), dbSNP rs1485116848, ClinGen allele CA339264590.